The following is an entry in ClinVar:

NM_001005242.3(PKP2):c.1883del (p.Lys628fs)

Gene: PKP2 (plakophilin 2; minus strand). Cytogenetic location: 12p11.21.
Variant type: Deletion.
Coding change: c.1883del on transcript NM_001005242.3 (MANE Select); coding-DNA position 1883, one base deleted (A; older notation c.1883delA).
Protein change: p.Lys628fs; shifts the reading frame from lysine 628.
Molecular consequence: frameshift variant.
Genome position (GRCh38, 1-based): chr12:32,821,486, T deleted on the plus strand (A on the coding strand, the reverse complement: PKP2 is on the minus strand); the first of 2 consecutive T bases (chr12:32,821,486-32,821,487); deleting either gives the same sequence. VCF-style (leftmost placement, unchanged base first): chr12-32821485-CT-C. GRCh37 (hg19) VCF-style: chr12-32974419-CT-C.
Other names: c.1883del, p.Lys628fs (NM_001407155.1, NM_001407161.1); c.1718del, p.Lys573fs (NM_001407156.1); c.2015del, p.Lys672fs (NM_001407157.1, NM_004572.4); c.1556del, p.Lys519fs (NM_001407158.1, NM_001407159.1, NM_001407160.1 and 1 more transcripts); short protein forms K519fs, K672fs, K573fs, K628fs.
Identifiers: ClinVar variation 2843468 (VCV002843468.3), dbSNP rs2541229697, ClinGen allele CA2739271931.

ClinVar aggregate classification (germline): Pathogenic (1 of 4 stars; one submission).

Conditions:
Arrhythmogenic right ventricular dysplasia 9 (ARVD9). Also called: Arrhythmogenic Right Ventricular Dysplasia/Cardiomyopathy 9; ARRHYTHMOGENIC RIGHT VENTRICULAR DYSPLASIA, FAMILIAL, 9. Identifiers: MedGen C1836906, MONDO:0012180, OMIM 609040.

Submission:

Labcorp Genetics (formerly Invitae), Labcorp
Classification: Pathogenic for Arrhythmogenic right ventricular dysplasia 9. Last evaluated: 2023-08-20. Review status: criteria provided, single submitter. Criteria: Invitae Variant Classification Sherloc (09022015). Collection method: clinical testing. Allele origin: germline.
Comment: For these reasons, this variant has been classified as Pathogenic. This premature translational stop signal has been observed in individual(s) with arrhythmogenic right ventricular cardiomyopathy (PMID: 17010805, 24070718). This variant is not present in population databases (gnomAD no frequency). This sequence change creates a premature translational stop signal (p.Lys672Argfs*12) in the PKP2 gene. It is expected to result in an absent or disrupted protein product. Loss-of-function variants in PKP2 are known to be pathogenic (PMID: 15489853, 23911551).

Literature cited by the submitters: PubMed 17010805; PubMed 24070718; PubMed 15489853; PubMed 23911551.